The following is an entry in ClinVar:

ClinVar aggregate classification (germline): Uncertain significance. Review status: criteria provided, multiple submitters, no conflicts (2 of 4 stars). 4 submissions from 4 submitters: Uncertain significance (4). Last evaluated 2026-05-15.

Conditions:
Cardiovascular phenotype. Identifiers: MedGen CN230736.
Primary familial hypertrophic cardiomyopathy (HCM). Identifiers: Orphanet 99739, MedGen C0949658, MeSH D024741, MONDO:0024573. Inheritance: Various modes of inheritance.
Dilated cardiomyopathy 1AA (CMD1AA). Also called: Cardiomyopathy, dilated, 1AA, with or without LVNC; CARDIOMYOPATHY, DILATED, 1AA, WITH OR WITHOUT LEFT VENTRICULAR NONCOMPACTION; CARDIOMYOPATHY, FAMILIAL HYPERTROPHIC, 23, WITH OR WITHOUT LEFT VENTRICULAR NONCOMPACTION. Identifiers: Orphanet 154, MedGen C2677338, MONDO:0012808, OMIM 612158.

Allele frequency attached by ClinVar (database versions not stated): gnomAD 0.00001 and 0.00002; gnomAD exomes below 0.00001; TOPMed 0.00002.
gnomAD v4.1: 7 of 1,613,836 alleles (0.00043%); highest among the groups gnomAD compares: African/African-American, 0.0013%; no homozygotes.

Submissions (4):

Ambry Genetics
Classification: Uncertain significance for Cardiovascular phenotype. Last evaluated: 2026-05-15. Review status: criteria provided, single submitter. Criteria: Ambry Variant Classification Scheme 2023. Collection method: clinical testing. Allele origin: germline.
Comment: The p.Y473C variant (also known as c.1418A>G), located in coding exon 13 of the ACTN2 gene, results from an A to G substitution at nucleotide position 1418. The tyrosine at codon 473 is replaced by cysteine, an amino acid with highly dissimilar properties. This variant was identified in one or more individuals with features consistent with arrhythmogenic cardiomyopathy and segregated with disease in at least one family (Good JM et al. HeartRhythm Case Rep, 2020 Jan;6:15-19). This amino acid position is highly conserved in available vertebrate species. In addition, this alteration is predicted to be deleterious by in silico analysis. Based on the available evidence, the clinical significance of this variant remains unclear.

Mayo Clinic Laboratories, Mayo Clinic
Classification: Uncertain significance. Last evaluated: 2025-01-07. Review status: criteria provided, single submitter. Criteria: ACMG Guidelines, 2015. Collection method: clinical testing. Allele origin: germline. Observed: 1 variant allele.
Comment: PP1, PP3

Labcorp Genetics (formerly Invitae), Labcorp
Classification: Uncertain significance for Primary familial hypertrophic cardiomyopathy; Dilated cardiomyopathy 1AA. Last evaluated: 2021-08-28. Review status: criteria provided, single submitter. Criteria: Invitae Variant Classification Sherloc (09022015). Collection method: clinical testing. Allele origin: germline.
Comment: This sequence change replaces tyrosine with cysteine at codon 473 of the ACTN2 protein (p.Tyr473Cys). The tyrosine residue is highly conserved and there is a large physicochemical difference between tyrosine and cysteine. This variant is not present in population databases (ExAC no frequency). This missense change has been observed in individual(s) with arrhythmogenic cardiomyopathy (PMID: 31956495). It has also been observed to segregate with disease in related individuals. ClinVar contains an entry for this variant (Variation ID: 581892). Advanced modeling of protein sequence and biophysical properties (such as structural, functional, and spatial information, amino acid conservation, physicochemical variation, residue mobility, and thermodynamic stability) performed at Invitae indicates that this missense variant is not expected to disrupt ACTN2 protein function. In summary, the available evidence is currently insufficient to determine the role of this variant in disease. Therefore, it has been classified as a Variant of Uncertain Significance.

GeneDx
Classification: Uncertain significance. Last evaluated: 2021-08-05. Review status: criteria provided, single submitter. Criteria: GeneDx Variant Classification Process June 2021. Collection method: clinical testing. Allele origin: germline. Affected: yes.
Comment: Not observed in large population cohorts (Lek et al., 2016); In silico analysis supports that this missense variant has a deleterious effect on protein structure/function; Reported in ClinVar as a variant of uncertain significance (ClinVar Variant ID# 581892; Landrum et al., 2016); This variant is associated with the following publications: (PMID: 31956495, 32670084, 32824180, 26582918)

Literature cited by the submitters: PubMed 31956495 (cited by 3 submitters); PubMed 32670084 (cited by Mayo Clinic Laboratories, Mayo Clinic); PubMed 32824180 (cited by Mayo Clinic Laboratories, Mayo Clinic); PubMed 36116040 (cited by Mayo Clinic Laboratories, Mayo Clinic); PubMed 36935760 (cited by Mayo Clinic Laboratories, Mayo Clinic); PubMed 38311799 (cited by Mayo Clinic Laboratories, Mayo Clinic).

NM_001103.4(ACTN2):c.1418A>G (p.Tyr473Cys)

Gene: ACTN2 (actinin alpha 2; plus strand). Cytogenetic location: 1q43.
Variant type: single nucleotide variant.
Coding change: c.1418A>G on transcript NM_001103.4 (MANE Select); coding-DNA position 1418, A replaced by G.
Protein change: p.Tyr473Cys; replaces tyrosine 473 with cysteine.
Molecular consequence: missense variant.
Genome position (GRCh38, 1-based): chr1:236,747,678, A>G. VCF-style: chr1-236747678-A-G. GRCh37 (hg19) VCF-style: chr1-236910978-A-G.
Other names: p.Tyr473Cys; c.1418A>G (NM_001103.2); c.1418A>G, p.Tyr473Cys (NM_001278343.2); c.794A>G, p.Tyr265Cys (NM_001278344.2); short protein forms Y473C, Y265C.
Identifiers: ClinVar variation 581892 (VCV000581892.7), dbSNP rs957128342, ClinGen allele CA39732967.